The following is an entry in ClinVar:

NM_001370259.2(MEN1):c.1186-15T>A

Gene: MEN1 (menin 1; minus strand). Cytogenetic location: 11q13.1.
Variant type: single nucleotide variant.
Coding change: c.1186-15T>A on transcript NM_001370259.2 (MANE Select); 15 bases into the intron before coding-DNA position 1186, T replaced by A.
Molecular consequence: intron variant.
Genome position (GRCh38, 1-based): chr11:64,805,213, A>T on the plus strand (T>A on the coding strand, the complement: MEN1 is on the minus strand). VCF-style: chr11-64805213-A-T. GRCh37 (hg19) VCF-style: chr11-64572685-A-T.
Other names: c.1312-15T>A (NM_001370251.2); c.1201-15T>A (NM_130801.3, NM_130800.3, NM_130802.3 and 3 more transcripts); c.1081-15T>A (NM_001370263.2, NM_001370262.2); c.1186-15T>A (NM_001370261.2, NM_130799.3, NM_001370260.2 and 1 more transcripts).
Identifiers: ClinVar variation 1631210 (VCV001631210.9), dbSNP rs1482248002, ClinGen allele CA679266556.

ClinVar aggregate classification (germline): Conflicting classifications of pathogenicity. Review status: criteria provided, conflicting classifications (1 of 4 stars). 2 submissions from 2 submitters: Uncertain significance (1); Likely benign (1). Last evaluated 2025-11-13.

Conditions:
Multiple endocrine neoplasia, type 1 (MEN1). Also called: MEA I; Endocrine adenomatosis multiple; MEN 1; MEN I; WERMER SYNDROME. Identifiers: Orphanet 652, MedGen C0025267, MeSH D018761, MONDO:0007540, OMIM 131100.

Allele frequency attached by ClinVar (database versions not stated): TOPMed 0.00001; gnomAD exomes 0.00002.
gnomAD v4.1: 25 of 1,612,424 alleles (0.0016%); highest among the groups gnomAD compares: Non-Finnish European, 0.0021%; no homozygotes.

Submissions (2):

Labcorp Genetics (formerly Invitae), Labcorp
Classification: Likely benign for Multiple endocrine neoplasia, type 1. Last evaluated: 2025-11-13. Review status: criteria provided, single submitter. Criteria: Invitae Variant Classification Sherloc (09022015). Collection method: clinical testing. Allele origin: germline.

Color Diagnostics, LLC DBA Color Health
Classification: Uncertain significance for Multiple endocrine neoplasia, type 1. Last evaluated: 2023-09-14. Review status: criteria provided, single submitter. Criteria: ACMG Guidelines, 2015. Collection method: clinical testing. Allele origin: germline.
Comment: This variant causes a T to A nucleotide substitution at the -15 position of intron 8 of the MEN1 gene. To our knowledge, functional studies have not been reported for this variant. This variant has not been reported in individuals affected with MEN1-related disorders in the literature. This variant has not been identified in the general population by the Genome Aggregation Database (gnomAD). The available evidence is insufficient to determine the role of this variant in disease conclusively. Therefore, this variant is classified as a Variant of Uncertain Significance.